The following is an entry in ClinVar:

ClinVar aggregate classification (germline): Pathogenic. Review status: criteria provided, single submitter (1 of 4 stars). 2 submissions from 2 submitters: Pathogenic (1). 1 of the submissions does not count toward it. Last evaluated 2025-09-26.

Conditions:
Cataract 18 (CATC2). Also called: CATARACT 18, AUTOSOMAL RECESSIVE. Identifiers: Orphanet 91492, Orphanet 98991, Orphanet 98992, Orphanet 98995, MedGen C1864908, MONDO:0012395, OMIM 610019.

Allele frequency attached by ClinVar (database versions not stated): ExAC 0.00003; gnomAD exomes 0.00001 and 0.00002.
gnomAD v4.1: 7 of 1,613,898 alleles (0.00043%); highest among the groups gnomAD compares: South Asian, 0.0066%; no homozygotes.

Submissions (2):

First Genomix Gene Laboratory, Genetic Diagnostics Department
Classification: Pathogenic for Cataract 18. Last evaluated: 2025-09-26. Review status: criteria provided, single submitter. Criteria: ACMG Guidelines, 2015. Collection method: clinical testing. Allele origin: germline. Inheritance: Autosomal recessive inheritance. Affected: no. Observed: 1 variant allele.

OMIM
Classification: Pathogenic for CATARACT 18, AUTOSOMAL RECESSIVE. Last evaluated: 2011-06-10. Review status: no assertion criteria provided. Collection method: literature only. Allele origin: germline. Not counted in ClinVar's aggregate classification.

Literature cited by the submitters: PubMed 21636066 (cited by OMIM).

NM_024513.4(FYCO1):c.2206C>T (p.Gln736Ter)

Gene: FYCO1 (FYVE and coiled-coil domain autophagy adaptor 1; minus strand). Cytogenetic location: 3p21.31.
Variant type: single nucleotide variant.
Coding change: c.2206C>T on transcript NM_024513.4 (MANE Select); coding-DNA position 2206, C replaced by T.
Protein change: p.Gln736Ter; replaces glutamine 736 with a stop codon.
Molecular consequence: nonsense.
Genome position (GRCh38, 1-based): chr3:45,967,128, G>A on the plus strand (C>T on the coding strand, the complement: FYCO1 is on the minus strand). VCF-style: chr3-45967128-G-A. GRCh37 (hg19) VCF-style: chr3-46008620-G-A.
Other names: short protein forms Q736*.
Identifiers: ClinVar variation 30646 (VCV000030646.1), dbSNP rs387906964, ClinGen allele CA214977.
Genomic context (GRCh38, chr3:45,967,128, plus strand): 5'-CTCCCTGTTGGCCTTTCTCTGCTGTGAGGACCTCAATCAGCTGGGTCTGCTGCTGGCACT[G>A]GCTCTCGAGAGCCCTAAGCTCTCTGTGCCGGGCTTCTGCCAGTTGCTGGCACTGCTCCAC-3'